The following is an entry in ClinVar:

NM_005902.4(SMAD3):c.658G>C (p.Asp220His)

Gene: SMAD3 (SMAD family member 3; plus strand). Cytogenetic location: 15q22.33.
Variant type: single nucleotide variant.
Coding change: c.658G>C on transcript NM_005902.4 (MANE Select); coding-DNA position 658, G replaced by C.
Protein change: p.Asp220His; replaces aspartic acid 220 with histidine.
Molecular consequence: missense variant.
Genome position (GRCh38, 1-based): chr15:67,170,604, G>C. VCF-style: chr15-67170604-G-C. GRCh37 (hg19) VCF-style: chr15-67462942-G-C.
Other names: c.343G>C, p.Asp115His (NM_001145102.2, NM_001407016.1); c.526G>C, p.Asp176His (NM_001145103.2, NM_001407012.1); c.73G>C, p.Asp25His (NM_001145104.2, NM_001407017.1); c.658G>C, p.Asp220His (NM_001407011.1, NM_001407013.1); c.511G>C, p.Asp171His (NM_001407014.1); c.211G>C, p.Asp71His (NM_001407015.1); short protein forms D171H, D176H, D71H, D115H, D25H, D220H.
Identifiers: ClinVar variation 2132931 (VCV002132931.1), dbSNP rs2140301204, ClinGen allele CA392955090.

ClinVar aggregate classification (germline): Uncertain significance (1 of 4 stars; one submission).

Conditions:
Familial thoracic aortic aneurysm and aortic dissection (TAAD). Also called: Thoracic aortic aneurysms and dissections. Identifiers: Orphanet 91387, MedGen C4707243, MONDO:0019625.

Submission:

Labcorp Genetics (formerly Invitae), Labcorp
Classification: Uncertain significance for Familial thoracic aortic aneurysm and aortic dissection. Last evaluated: 2022-05-03. Review status: criteria provided, single submitter. Criteria: Invitae Variant Classification Sherloc (09022015). Collection method: clinical testing. Allele origin: germline.
Comment: This sequence change replaces aspartic acid, which is acidic and polar, with histidine, which is basic and polar, at codon 220 of the SMAD3 protein (p.Asp220His). This variant also falls at the last nucleotide of exon 5, which is part of the consensus splice site for this exon. This variant is not present in population databases (gnomAD no frequency). This variant has not been reported in the literature in individuals affected with SMAD3-related conditions. Algorithms developed to predict the effect of missense changes on protein structure and function are either unavailable or do not agree on the potential impact of this missense change (SIFT: "Not Available"; PolyPhen-2: "Benign"; Align-GVGD: "Not Available"). Variants that disrupt the consensus splice site are a relatively common cause of aberrant splicing (PMID: 17576681, 9536098). Algorithms developed to predict the effect of sequence changes on RNA splicing suggest that this variant may disrupt the consensus splice site. In summary, the available evidence is currently insufficient to determine the role of this variant in disease. Therefore, it has been classified as a Variant of Uncertain Significance.

Literature cited by the submitters: PubMed 17576681; PubMed 9536098.